The following is an entry in ClinVar:

ClinVar aggregate classification (germline): Uncertain significance. Review status: criteria provided, multiple submitters, no conflicts (2 of 4 stars). 2 submissions from 2 submitters: Uncertain significance (2). Last evaluated 2025-11-18.

Conditions:
Hereditary cancer-predisposing syndrome. Also called: Hereditary neoplastic syndrome; Neoplastic Syndromes, Hereditary; Tumor predisposition; Hereditary Cancer Syndrome. Identifiers: Orphanet 140162, MedGen C0027672, MeSH D009386, MONDO:0015356.

Allele frequency attached by ClinVar (database versions not stated): gnomAD exomes 0.00001; ExAC 0.00002.
gnomAD v4.1: 2 of 1,614,140 alleles (0.00012%); highest among the groups gnomAD compares: Non-Finnish European, 0.00017%; no homozygotes.

Submissions (2):

Labcorp Genetics (formerly Invitae), Labcorp
Classification: Uncertain significance. Last evaluated: 2025-11-18. Review status: criteria provided, single submitter. Criteria: Invitae Variant Classification Sherloc (09022015). Collection method: clinical testing. Allele origin: germline.
Comment: This sequence change replaces arginine, which is basic and polar, with cysteine, which is neutral and slightly polar, at codon 267 of the HOXB13 protein (p.Arg267Cys). This variant is present in population databases (rs778197145, gnomAD 0.002%). This variant has not been reported in the literature in individuals affected with HOXB13-related conditions. ClinVar contains an entry for this variant (Variation ID: 834616). Invitae Evidence Modeling of protein sequence and biophysical properties (such as structural, functional, and spatial information, amino acid conservation, physicochemical variation, residue mobility, and thermodynamic stability) indicates that this missense variant is expected to disrupt HOXB13 protein function with a positive predictive value of 80%. In summary, the available evidence is currently insufficient to determine the role of this variant in disease. Therefore, it has been classified as a Variant of Uncertain Significance.

Ambry Genetics
Classification: Uncertain significance for Hereditary cancer-predisposing syndrome. Last evaluated: 2025-03-11. Review status: criteria provided, single submitter. Criteria: Ambry Variant Classification Scheme 2023. Collection method: clinical testing. Allele origin: germline.
Comment: The p.R267C variant (also known as c.799C>T), located in coding exon 2 of the HOXB13 gene, results from a C to T substitution at nucleotide position 799. The arginine at codon 267 is replaced by cysteine, an amino acid with highly dissimilar properties. This variant was predicted to be deleterious and potentially damaging by using multiple in silico prediction tools, by mapping the protein structure and energy minimization, and by validating function and stability using I-Mutant and RAMPAGE (Chandrasekaran G et al. Chem Biol Drug Des, 2017 Aug;90:188-199). This amino acid position is highly conserved in available vertebrate species. In addition, this alteration is predicted to be deleterious by in silico analysis. Based on the available evidence, the clinical significance of this variant remains unclear.

Literature cited by the submitters: PubMed 28072499 (cited by Ambry Genetics).

NM_006361.6(HOXB13):c.799C>T (p.Arg267Cys)

Gene: HOXB13 (homeobox B13; minus strand). Cytogenetic location: 17q21.32.
Variant type: single nucleotide variant.
Coding change: c.799C>T on transcript NM_006361.6 (MANE Select); coding-DNA position 799, C replaced by T.
Protein change: p.Arg267Cys; replaces arginine 267 with cysteine.
Molecular consequence: missense variant.
Genome position (GRCh38, 1-based): chr17:48,726,846, G>A on the plus strand (C>T on the coding strand, the complement: HOXB13 is on the minus strand). VCF-style: chr17-48726846-G-A. GRCh37 (hg19) VCF-style: chr17-46804208-G-A.
Other names: short protein forms R267C.
Identifiers: ClinVar variation 834616 (VCV000834616.12), dbSNP rs778197145, ClinGen allele CA8633908.